The following is an entry in ClinVar:

NM_031220.4(PITPNM3):c.1890+4C>T

Gene: PITPNM3 (PITPNM family member 3; minus strand). Cytogenetic location: 17p13.2.
Variant type: single nucleotide variant.
Coding change: c.1890+4C>T on transcript NM_031220.4 (MANE Select); 4 bases into the intron after coding-DNA position 1890, C replaced by T.
Molecular consequence: intron variant.
Genome position (GRCh38, 1-based): chr17:6,468,221, G>A on the plus strand (C>T on the coding strand, the complement: PITPNM3 is on the minus strand). VCF-style: chr17-6468221-G-A. GRCh37 (hg19) VCF-style: chr17-6371541-G-A.
Other names: c.1782+4C>T (NM_001165966.2).
Identifiers: ClinVar variation 1516791 (VCV001516791.6), dbSNP rs374850419, ClinGen allele CA8329361.

ClinVar aggregate classification (germline): Uncertain significance (1 of 4 stars; one submission).

Allele frequency attached by ClinVar (database versions not stated): gnomAD exomes 0.00001 and 0.00002; ExAC 0.00002; TOPMed 0.00003; gnomAD 0.00004; ESP Exome Variant Server 0.00008.
gnomAD v4.1: 24 of 1,612,076 alleles (0.0015%); highest among the groups gnomAD compares: Middle Eastern, 0.039%; 1 homozygote.

Submission:

Labcorp Genetics (formerly Invitae), Labcorp
Classification: Uncertain significance. Last evaluated: 2023-12-27. Review status: criteria provided, single submitter. Criteria: Invitae Variant Classification Sherloc (09022015). Collection method: clinical testing. Allele origin: germline.
Comment: This sequence change falls in intron 14 of the PITPNM3 gene. It does not directly change the encoded amino acid sequence of the PITPNM3 protein. It affects a nucleotide within the consensus splice site. This variant is present in population databases (rs374850419, gnomAD 0.007%). This variant has not been reported in the literature in individuals affected with PITPNM3-related conditions. ClinVar contains an entry for this variant (Variation ID: 1516791). Variants that disrupt the consensus splice site are a relatively common cause of aberrant splicing (PMID: 17576681, 9536098). Algorithms developed to predict the effect of sequence changes on RNA splicing suggest that this variant is not likely to affect RNA splicing. In summary, the available evidence is currently insufficient to determine the role of this variant in disease. Therefore, it has been classified as a Variant of Uncertain Significance.

Literature cited by the submitters: PubMed 17576681; PubMed 9536098.